The following is an entry in ClinVar:

NM_001134407.3(GRIN2A):c.*6282T>A

Gene: GRIN2A (glutamate ionotropic receptor NMDA type subunit 2A; minus strand). Cytogenetic location: 16p13.2.
Variant type: single nucleotide variant.
Coding change: c.*6282T>A on transcript NM_001134407.3 (MANE Select); 6282 bases downstream of the stop codon, T replaced by A.
Molecular consequence: 3 prime UTR variant.
Genome position (GRCh38, 1-based): chr16:9,756,867, A>T on the plus strand (T>A on the coding strand, the complement: GRIN2A is on the minus strand). VCF-style: chr16-9756867-A-T. GRCh37 (hg19) VCF-style: chr16-9850724-A-T.
Other names: c.*6282T>A (NM_000833.5); c.*6488T>A (NM_001134408.2).
Identifiers: ClinVar variation 321512 (VCV000321512.5), dbSNP rs16966252, ClinGen allele CA10648463.
Genomic context (GRCh38, chr16:9,756,867, plus strand): 5'-GATAGACAGAGTGACAAAAGCTCCCTCTCCACCTCGCCATCCTTCCTGAAATACACCTCT[A>T]TTCCTTTTGCCATCTCTTTGCCCCGTTTTCTCTCTAGGGAACCTGATGCTTTCTGTCAGC-3'

ClinVar aggregate classification (germline): Benign (1 of 4 stars; one submission).

Conditions:
Landau-Kleffner syndrome (FESD). Also called: EPILEPSY, FOCAL, WITH SPEECH DISORDER AND WITH OR WITHOUT MENTAL RETARDATION; APHASIA, ACQUIRED, WITH EPILEPSY. Identifiers: Orphanet 1945, Orphanet 725, Orphanet 98818, MedGen C0282512, MONDO:0009509, OMIM 245570.

Allele frequency attached by ClinVar (database versions not stated): 1000 Genomes Project 30x 0.01889; gnomAD exomes 0.00272; 1000 Genomes Project 0.01697; gnomAD 0.01699; TOPMed 0.01978.
gnomAD v4.1: 2,704 of 184,154 alleles (1.5%); highest among the groups gnomAD compares: African/African-American, 5.9%; 57 homozygotes.

Submission:

Illumina Laboratory Services, Illumina
Classification: Benign for Landau-Kleffner syndrome. Last evaluated: 2018-01-13. Review status: criteria provided, single submitter. Criteria: ICSL Variant Classification Criteria 13 December 2019. Collection method: clinical testing. Allele origin: germline.
Comment: This variant was observed in the ICSL laboratory as part of a predisposition screen in an ostensibly healthy population. It had not been previously curated by ICSL or reported in the Human Gene Mutation Database (HGMD: prior to June 1st, 2018), and was therefore a candidate for classification through an automated scoring system. Utilizing variant allele frequency, disease prevalence and penetrance estimates, and inheritance mode, an automated score was calculated to assess if this variant is too frequent to cause the disease. Based on the score and internal cut-off values, a variant classified as benign is not then subjected to further curation. The score for this variant resulted in a classification of benign for this disease.